The following is an entry in ClinVar:

NM_181552.4(CUX1):c.1348C>A (p.Gln450Lys)

Gene: CUX1 (cut like homeobox 1; plus strand). Cytogenetic location: 7q22.1.
Variant type: single nucleotide variant.
Coding change: c.1348C>A on transcript NM_181552.4 (MANE Select); coding-DNA position 1348, C replaced by A.
Protein change: p.Gln450Lys; replaces glutamine 450 with lysine.
Molecular consequence: missense variant. On other transcripts: intron variant (5).
Genome position (GRCh38, 1-based): chr7:102,196,759, C>A. VCF-style: chr7-102196759-C-A. GRCh37 (hg19) VCF-style: chr7-101840039-C-A.
Other names: c.1381C>A, p.Gln461Lys (NM_001202543.2); c.1255+1156C>A (NM_001913.5); c.1249+1156C>A (NM_181500.4); c.1117+1156C>A (NM_001202545.3); c.1207+1156C>A (NM_001202544.3); c.1138+1156C>A (NM_001202546.3); short protein forms Q450K, Q461K.
Identifiers: ClinVar variation 3242153 (VCV003242153.1), dbSNP rs781827512.
Genomic context (GRCh38, chr7:102,196,759, plus strand): 5'-CCTCCTTCTCAGTTGCCCCGCAACCCGGGGGAGCAGGCTTCCAATACTAATGGTACACAC[C>A]AGTTCTCACCAGCGGGGTTAAGTCAAGACTTTTTCAGCTCATCCCTGGCAAGCCCCAGCC-3'
Protein context (NP_853530.2, residues 440-460): EQASNTNGTH[Gln450Lys]FSPAGLSQDF

ClinVar aggregate classification (germline): Uncertain significance (1 of 4 stars; one submission).

Conditions:
Global developmental delay with or without impaired intellectual development. Identifiers: MedGen C5193032, MONDO:0032680, OMIM 618330.

Allele frequency attached by ClinVar (database versions not stated): gnomAD exomes below 0.00001; ExAC 0.00001.
gnomAD v4.1: 1 of 1,614,138 alleles (0.000062%); highest among the groups gnomAD compares: South Asian, 0.0011%; no homozygotes.

Submission:

Neuberg Centre For Genomic Medicine, NCGM
Classification: Uncertain significance for Global developmental delay with or without impaired intellectual development. Review status: criteria provided, single submitter. Criteria: ACMG Guidelines, 2015. Collection method: clinical testing. Allele origin: germline. Inheritance: Autosomal dominant inheritance. Affected: yes.
Comment: The observed missense c.1348C>A(p.Gln450Lys) variant in CUX1 gene has not been reported previously as a pathogenic variant nor as a benign variant, to our knowledge. This variant is present with an allele frequency of 0.0004% in gnomAD Exomes database. This variant has not been submitted to the ClinVar database. The amino acid change p.Gln450Lys in CUX1 is predicted as conserved by GERP++ and PhyloP across 100 vertebrates. The amino acid Gln at position 450 is changed to a Lys changing protein sequence and it might alter its composition and physico-chemical properties. Computational evidence (Polyphen - benign, SIFT -Tolerated, and MutationTaster -disease causing) predicts conflicting evidence on protein structure and function for this variant. For these reasons, this variant has been classified as Variant of Uncertain Significance (VUS).